The following is an entry in ClinVar:

NM_004750.5(CRLF1):c.242G>A (p.Arg81His)

Gene: CRLF1 (cytokine receptor like factor 1; minus strand). Cytogenetic location: 19p13.11.
Variant type: single nucleotide variant.
Coding change: c.242G>A on transcript NM_004750.5 (MANE Select); coding-DNA position 242, G replaced by A.
Protein change: p.Arg81His; replaces arginine 81 with histidine.
Molecular consequence: missense variant.
Genome position (GRCh38, 1-based): chr19:18,599,720, C>T on the plus strand (G>A on the coding strand, the complement: CRLF1 is on the minus strand). VCF-style: chr19-18599720-C-T. GRCh37 (hg19) VCF-style: chr19-18710530-C-T.
Other names: short protein forms R81H.
Identifiers: ClinVar variation 39410 (VCV000039410.6), dbSNP rs104894670, ClinGen allele CA342060.

ClinVar aggregate classification (germline): Uncertain significance. Review status: criteria provided, multiple submitters, no conflicts (2 of 4 stars). 3 submissions from 3 submitters: Uncertain significance (2). 1 of the submissions does not count toward it. Last evaluated 2025-03-10.

Conditions:
Cold-induced sweating syndrome 1 (CISS1). Also called: CRLF1-Related Cold-Induced Sweating Syndrome including Crisponi Syndrome; MUSCLE CONTRACTIONS, TETANOFORM, WITH CHARACTERISTIC FACE, CAMPTODACTYLY, HYPERTHERMIA, AND SUDDEN DEATH; Crisponi syndrome; CRISPONI/COLD-INDUCED SWEATING SYNDROME 1. Identifiers: Orphanet 1545, Orphanet 157820, MedGen C1848947, MONDO:0010091, OMIM 272430.

Allele frequency attached by ClinVar (database versions not stated): gnomAD exomes 0.00001 and 0.00003; gnomAD 0.00004 and 0.00005; ExAC 0.00005; TOPMed 0.00007.
gnomAD v4.1: 22 of 1,607,572 alleles (0.0014%); highest among the groups gnomAD compares: African/African-American, 0.0067%; no homozygotes.

Submissions (3):

Women's Health and Genetics/Laboratory Corporation of America, LabCorp
Classification: Uncertain significance. Last evaluated: 2025-03-10. Review status: criteria provided, single submitter. Criteria: LabCorp Variant Classification Summary - May 2015. Collection method: clinical testing. Allele origin: germline.
Comment: Variant summary: CRLF1 c.242G>A (p.Arg81His) results in a non-conservative amino acid change located in the Ig-like domain (Herholz_2011) of the encoded protein sequence. Three of five in-silico tools predict a benign effect of the variant on protein function. The variant allele was found at a frequency of 2.6e-05 in 232402 control chromosomes. c.242G>A has been reported in the literature in homozygous siblings affected with Cold-Induced Sweating Syndrome who also carried a homozygous c.1121T>G (p.L374R) variant (Knappskog_2002). At least one publication reports experimental evidence evaluating an impact on protein function. The most pronounced variant effect results in ~40% of normal CRLF1 secretion (Herholz_2011). The following publications have been ascertained in the context of this evaluation (PMID: 21326283, 12509788). ClinVar contains an entry for this variant (Variation ID: 39410). Based on the evidence outlined above, the variant was classified as VUS-possibly pathogenic.

Fulgent Genetics
Classification: Uncertain significance for Cold-induced sweating syndrome 1. Last evaluated: 2022-05-12. Review status: criteria provided, single submitter. Criteria: ACMG Guidelines, 2015. Collection method: clinical testing. Allele origin: unknown.

GeneReviews
No classification provided. Condition: Cold-induced sweating syndrome 1. Review status: no classification provided. Collection method: literature only. Allele origin: germline. Not counted in ClinVar's aggregate classification.
Comment: Persons of Israeli ancestry reported as homozygous for both variants c.242G>A and c.1121T>G

Literature cited by the submitters: PubMed 17436252 (cited by Women's Health and Genetics/Laboratory Corporation of America, LabCorp); PubMed 24008591 (cited by Women's Health and Genetics/Laboratory Corporation of America, LabCorp); PubMed 20400119 (cited by Women's Health and Genetics/Laboratory Corporation of America, LabCorp); PubMed 21326283 (cited by Women's Health and Genetics/Laboratory Corporation of America, LabCorp); PubMed 12509788 (cited by Women's Health and Genetics/Laboratory Corporation of America, LabCorp and GeneReviews); PubMed 20186812 (cited by Women's Health and Genetics/Laboratory Corporation of America, LabCorp); PubMed 21370513 (cited by GeneReviews).